The following is an entry in ClinVar:

ClinVar aggregate classification (germline): Uncertain significance. Review status: criteria provided, multiple submitters, no conflicts (2 of 4 stars). 2 submissions from 2 submitters: Uncertain significance (2). Last evaluated 2024-04-03.

Conditions:
Nephronophthisis. Also called: Juvenile Nephronophthisis. Identifiers: Orphanet 655, MedGen C0687120, MONDO:0019005, HP:0000090.
Jeune thoracic dystrophy. Also called: Short-rib thoracic dysplasia; Infantile thoracic dystrophy; Thoracic pelvic phalangeal dystrophy; Jeune's syndrome; Chondroectodermal dysplasia-like syndrome; Jeune syndrome. Identifiers: Orphanet 474, MedGen C0265275, MONDO:0018770.
Nephronophthisis 12 (NPHP12). Identifiers: Orphanet 655, MedGen C3151186, MONDO:0013442, OMIM 613820.
Asphyxiating thoracic dystrophy 4 (SRTD4). Also called: SHORT-RIB THORACIC DYSPLASIA 4 WITH OR WITHOUT POLYDACTYLY; SHORT-RIB THORACIC DYSPLASIA 4. Identifiers: Orphanet 474, MedGen C3151185, MONDO:0013441, OMIM 613819.

Allele frequency attached by ClinVar (database versions not stated): TOPMed 0.00001.

Submissions (2):

Fulgent Genetics
Classification: Uncertain significance for Asphyxiating thoracic dystrophy 4; Nephronophthisis 12. Last evaluated: 2024-04-03. Review status: criteria provided, single submitter. Criteria: ACMG Guidelines, 2015. Collection method: clinical testing. Allele origin: germline.

Labcorp Genetics (formerly Invitae), Labcorp
Classification: Uncertain significance for Jeune thoracic dystrophy; Nephronophthisis. Last evaluated: 2022-08-23. Review status: criteria provided, single submitter. Criteria: Invitae Variant Classification Sherloc (09022015). Collection method: clinical testing. Allele origin: germline.
Comment: This sequence change replaces aspartic acid, which is acidic and polar, with tyrosine, which is neutral and polar, at codon 68 of the TTC21B protein (p.Asp68Tyr). This variant is present in population databases (no rsID available, gnomAD 0.007%). In summary, the available evidence is currently insufficient to determine the role of this variant in disease. Therefore, it has been classified as a Variant of Uncertain Significance. Algorithms developed to predict the effect of missense changes on protein structure and function are either unavailable or do not agree on the potential impact of this missense change (SIFT: "Deleterious"; PolyPhen-2: "Possibly Damaging"; Align-GVGD: "Class C15"). ClinVar contains an entry for this variant (Variation ID: 1421425). This variant has not been reported in the literature in individuals affected with TTC21B-related conditions.

NM_024753.5(TTC21B):c.202G>T (p.Asp68Tyr)

Gene: TTC21B (tetratricopeptide repeat domain 21B; minus strand). Cytogenetic location: 2q24.3.
Variant type: single nucleotide variant.
Coding change: c.202G>T on transcript NM_024753.5 (MANE Select); coding-DNA position 202, G replaced by T.
Protein change: p.Asp68Tyr; replaces aspartic acid 68 with tyrosine.
Molecular consequence: missense variant.
Genome position (GRCh38, 1-based): chr2:165,949,454, C>A on the plus strand (G>T on the coding strand, the complement: TTC21B is on the minus strand). VCF-style: chr2-165949454-C-A. GRCh37 (hg19) VCF-style: chr2-166805964-C-A.
Other names: short protein forms D68Y.
Identifiers: ClinVar variation 1421425 (VCV001421425.9), dbSNP rs1242719645, ClinGen allele CA349055684.